The following is an entry in ClinVar:

NM_015662.3(IFT172):c.357A>G (p.Gln119=)

Gene: IFT172 (intraflagellar transport 172; minus strand). Cytogenetic location: 2p23.3.
Variant type: single nucleotide variant.
Coding change: c.357A>G on transcript NM_015662.3 (MANE Select); coding-DNA position 357, A replaced by G.
Protein change: p.Gln119=; no amino-acid change (glutamine 119 retained).
Molecular consequence: synonymous variant.
Genome position (GRCh38, 1-based): chr2:27,483,917, T>C on the plus strand (A>G on the coding strand, the complement: IFT172 is on the minus strand). VCF-style: chr2-27483917-T-C. GRCh37 (hg19) VCF-style: chr2-27706784-T-C.
Other names: c.357A>G (NM_015662.2).
Identifiers: ClinVar variation 1053110 (VCV001053110.10), dbSNP rs749934202, ClinGen allele CA1581007.

ClinVar aggregate classification (germline): Conflicting classifications of pathogenicity. Review status: criteria provided, conflicting classifications (1 of 4 stars). 4 submissions from 4 submitters: Uncertain significance (2); Likely benign (1). 1 of the submissions does not count toward it. Last evaluated 2025-01-27.

Conditions:
Short-rib thoracic dysplasia 10 with or without polydactyly (SRTD10). Identifiers: Orphanet 474, MedGen C3810175, MONDO:0014284, OMIM 615630.
Retinitis pigmentosa 71 (RP71). Identifiers: Orphanet 791, MedGen C4225342, MONDO:0014618, OMIM 616394.
Retinal dystrophy. Also called: Inherited retinal dystrophy. Identifiers: Orphanet 71862, MedGen C0854723, MeSH D058499, MONDO:0019118, HP:0000556.
Bardet-Biedl syndrome 20. Identifiers: MedGen C4310707, MONDO:0023670, OMIM 619471, MONDO:0014926.
IFT172-related disorder. Also called: IFT172-related condition; IFT172-related disorders.

Allele frequency attached by ClinVar (database versions not stated): ExAC 0.00003; gnomAD exomes 0.00005 and 0.00003; TOPMed 0.00001.
gnomAD v4.1: 70 of 1,613,968 alleles (0.0043%); highest among the groups gnomAD compares: Middle Eastern, 0.016%; no homozygotes.

Submissions (4):

Labcorp Genetics (formerly Invitae), Labcorp
Classification: Likely benign for Retinitis pigmentosa 71; Short-rib thoracic dysplasia 10 with or without polydactyly. Last evaluated: 2025-01-27. Review status: criteria provided, single submitter. Criteria: Invitae Variant Classification Sherloc (09022015). Collection method: clinical testing. Allele origin: germline.

Dept Of Ophthalmology, Nagoya University
Classification: Uncertain significance for Retinal dystrophy. Last evaluated: 2023-10-01. Review status: criteria provided, single submitter. Criteria: Submitter's publication. Collection method: research. Allele origin: germline. Affected: yes.

Fulgent Genetics
Classification: Uncertain significance for Short-rib thoracic dysplasia 10 with or without polydactyly; Retinitis pigmentosa 71; Bardet-Biedl syndrome 20. Last evaluated: 2022-01-08. Review status: criteria provided, single submitter. Criteria: ACMG Guidelines, 2015. Collection method: clinical testing. Allele origin: unknown.

PreventionGenetics, part of Exact Sciences
Classification: Likely benign for IFT172-related condition. Last evaluated: 2024-03-06. Review status: no assertion criteria provided. Collection method: clinical testing. Allele origin: germline. Not counted in ClinVar's aggregate classification.
Comment: This variant is classified as likely benign based on ACMG/AMP sequence variant interpretation guidelines (Richards et al. 2015 PMID: 25741868, with internal and published modifications).